The following is an entry in ClinVar:

ClinVar aggregate classification (germline): Uncertain significance (1 of 4 stars; one submission).

Submission:

Labcorp Genetics (formerly Invitae), Labcorp
Classification: Uncertain significance. Last evaluated: 2025-08-07. Review status: criteria provided, single submitter. Criteria: Invitae Variant Classification Sherloc (09022015). Collection method: clinical testing. Allele origin: germline.
Comment: This sequence change replaces serine, which is neutral and polar, with phenylalanine, which is neutral and non-polar, at codon 201 of the RNF216 protein (p.Ser201Phe). This variant is present in population databases (rs767582435, gnomAD 0.003%). This variant has not been reported in the literature in individuals affected with RNF216-related conditions. An algorithm developed to predict the effect of missense changes on protein structure and function (PolyPhen-2) suggests that this variant is likely to be disruptive. In summary, the available evidence is currently insufficient to determine the role of this variant in disease. Therefore, it has been classified as a Variant of Uncertain Significance.

NM_207111.4(RNF216):c.602C>T (p.Ser201Phe)

Gene: RNF216 (ring finger protein 216; minus strand). Cytogenetic location: 7p22.1.
Variant type: single nucleotide variant.
Coding change: c.602C>T on transcript NM_207111.4 (MANE Select); coding-DNA position 602, C replaced by T.
Protein change: p.Ser201Phe; replaces serine 201 with phenylalanine.
Molecular consequence: missense variant.
Genome position (GRCh38, 1-based): chr7:5,741,415, G>A on the plus strand (C>T on the coding strand, the complement: RNF216 is on the minus strand). VCF-style: chr7-5741415-G-A. GRCh37 (hg19) VCF-style: chr7-5781046-G-A.
Other names: c.431C>T, p.Ser144Phe (NM_001377156.1, NM_207116.3); short protein forms S144F, S201F.
Identifiers: ClinVar variation 4693162 (VCV004693162.1).
Genomic context (GRCh38, chr7:5,741,415, plus strand): 5'-TCATCTGCTAGAGCAGCTGACTCTCCTAGATTTGATAACAGCTCTGTCTCTGAGTCTTCG[G>A]ATGACTGGTTCTGAGTTTCCAAAGGATCGCTTTCTGTGTAAAGAAGGCTACCTTCTTCCA-3'
Protein context (NP_996994.1, residues 191-211): SDPLETQNQS[Ser201Phe]EDSETELLSN